The following is an entry in ClinVar:

ClinVar aggregate classification (germline): Likely benign. Review status: criteria provided, multiple submitters, no conflicts (2 of 4 stars). 4 submissions from 4 submitters: Likely benign (4). Last evaluated 2026-01-19.

Conditions:
Inborn genetic diseases. Identifiers: MedGen C0950123, MeSH D030342.
FAT4-related disorder. Also called: FAT4-related condition.

Allele frequency attached by ClinVar (database versions not stated): gnomAD exomes 0.00007 and 0.00017; ExAC 0.00021; ESP Exome Variant Server 0.00050; gnomAD 0.00069 and 0.00070; TOPMed 0.00080; 1000 Genomes Project 30x 0.00156; 1000 Genomes Project 0.00160.

Submissions (4):

Labcorp Genetics (formerly Invitae), Labcorp
Classification: Likely benign. Last evaluated: 2026-01-19. Review status: criteria provided, single submitter. Criteria: Invitae Variant Classification Sherloc (09022015). Collection method: clinical testing. Allele origin: germline.

PreventionGenetics, part of Exact Sciences
Classification: Likely benign for FAT4-related condition. Last evaluated: 2025-01-09. Review status: criteria provided, single submitter. Criteria: ACMG Guidelines, 2015. Collection method: clinical testing. Allele origin: germline.
Comment: This variant is classified as likely benign based on ACMG/AMP sequence variant interpretation guidelines (Richards et al. 2015 PMID: 25741868, with internal and published modifications).

Ambry Genetics
Classification: Likely benign for Inborn genetic diseases. Last evaluated: 2021-08-04. Review status: criteria provided, single submitter. Criteria: Ambry Variant Classification Scheme 2023. Collection method: clinical testing. Allele origin: germline.

Breakthrough Genomics
Classification: Likely benign. Review status: criteria provided, single submitter. Criteria: ACMG Guidelines, 2015. Collection method: not provided. Allele origin: germline. Inheritance: Autosomal recessive inheritance. Affected: yes.

NM_001291303.3(FAT4):c.3962T>C (p.Phe1321Ser)

Gene: FAT4 (FAT atypical cadherin 4; plus strand). Cytogenetic location: 4q28.1.
Variant type: single nucleotide variant.
Coding change: c.3962T>C on transcript NM_001291303.3 (MANE Select); coding-DNA position 3962, T replaced by C.
Protein change: p.Phe1321Ser; replaces phenylalanine 1321 with serine.
Molecular consequence: missense variant.
Genome position (GRCh38, 1-based): chr4:125,320,373, T>C. VCF-style: chr4-125320373-T-C. GRCh37 (hg19) VCF-style: chr4-126241528-T-C.
Other names: c.3962T>C, p.Phe1321Ser (NM_001291285.3, NM_024582.6); c.3962T>C (NM_001291303.1, NM_024582.4); short protein forms F1321S.
Identifiers: ClinVar variation 1152585 (VCV001152585.11), dbSNP rs147900577, ClinGen allele CA3072393.
Genomic context (GRCh38, chr4:125,320,373, plus strand): 5'-TAAATATTGATATTTTAGATGAAAATGACAATACCCCTTCTTTCCCTAAATCAACACTCT[T>C]TGTTGATGTTTTGGAAAACATGAGAATTGGTGAACTCGTGTCCTCTGTTACTGCAACTGA-3'
Protein context (NP_001278232.1, residues 1311-1331): NTPSFPKSTL[Phe1321Ser]VDVLENMRIG